The following is an entry in ClinVar:

NM_000051.4(ATM):c.1243A>T (p.Ile415Phe)

Gene: ATM (ATM serine/threonine kinase; plus strand). Cytogenetic location: 11q22.3.
Variant type: single nucleotide variant.
Coding change: c.1243A>T on transcript NM_000051.4 (MANE Select); coding-DNA position 1243, A replaced by T.
Protein change: p.Ile415Phe; replaces isoleucine 415 with phenylalanine.
Molecular consequence: missense variant.
Genome position (GRCh38, 1-based): chr11:108,250,708, A>T. VCF-style: chr11-108250708-A-T. GRCh37 (hg19) VCF-style: chr11-108121435-A-T.
Other names: c.1243A>T, p.Ile415Phe (NM_001351834.2); short protein forms I415F.
Identifiers: ClinVar variation 802743 (VCV000802743.11), dbSNP rs1591522756, ClinGen allele CA382533171.

ClinVar aggregate classification (germline): Conflicting classifications of pathogenicity. Review status: criteria provided, conflicting classifications (1 of 4 stars). 2 submissions from 2 submitters: Uncertain significance (1); Likely benign (1). Last evaluated 2023-05-05.

Conditions:
Ataxia-telangiectasia syndrome (AT). Also called: Ataxia-telangiectasia, complementation group E; Ataxia-telangiectasia, complementation group D; Ataxia telangiectasia (A-T); LOUIS-BAR SYNDROME; ATAXIA-TELANGIECTASIA, COMPLEMENTATION GROUP A; ATAXIA-TELANGIECTASIA, FRESNO VARIANT. Identifiers: Orphanet 100, MedGen C0004135, MONDO:0008840, OMIM 208900.

Submissions (2):

Labcorp Genetics (formerly Invitae), Labcorp
Classification: Uncertain significance for Ataxia-telangiectasia syndrome. Last evaluated: 2023-05-05. Review status: criteria provided, single submitter. Criteria: Invitae Variant Classification Sherloc (09022015). Collection method: clinical testing. Allele origin: germline.
Comment: ClinVar contains an entry for this variant (Variation ID: 802743). In summary, the available evidence is currently insufficient to determine the role of this variant in disease. Therefore, it has been classified as a Variant of Uncertain Significance. An algorithm developed to predict the effect of missense changes on protein structure and function (PolyPhen-2) suggests that this variant is likely to be disruptive. This variant has not been reported in the literature in individuals affected with ATM-related conditions. This variant is not present in population databases (gnomAD no frequency). This sequence change replaces isoleucine, which is neutral and non-polar, with phenylalanine, which is neutral and non-polar, at codon 415 of the ATM protein (p.Ile415Phe).

Mendelics
Classification: Likely benign for Ataxia-telangiectasia syndrome. Last evaluated: 2019-05-28. Review status: criteria provided, single submitter. Criteria: Mendelics Assertion Criteria 2017. Collection method: clinical testing. Allele origin: unknown.